The following is an entry in ClinVar:

NM_016169.4(SUFU):c.394G>A (p.Ala132Thr)

Gene: SUFU (SUFU negative regulator of hedgehog signaling; plus strand). Cytogenetic location: 10q24.32.
Variant type: single nucleotide variant.
Coding change: c.394G>A on transcript NM_016169.4 (MANE Select); coding-DNA position 394, G replaced by A.
Protein change: p.Ala132Thr; replaces alanine 132 with threonine.
Molecular consequence: missense variant.
Genome position (GRCh38, 1-based): chr10:102,550,046, G>A. VCF-style: chr10-102550046-G-A. GRCh37 (hg19) VCF-style: chr10-104309803-G-A.
Other names: c.394G>A, p.Ala132Thr (NM_001178133.2); short protein forms A132T.
Identifiers: ClinVar variation 5030422 (VCV005030422.1).

ClinVar aggregate classification (germline): Uncertain significance (1 of 4 stars; one submission).

Conditions:
Hereditary cancer-predisposing syndrome. Also called: Neoplastic Syndromes, Hereditary; Tumor predisposition; Hereditary neoplastic syndrome; Hereditary Cancer Syndrome. Identifiers: Orphanet 140162, MedGen C0027672, MeSH D009386, MONDO:0015356.

Submission:

Ambry Genetics
Classification: Uncertain significance for Hereditary cancer-predisposing syndrome. Last evaluated: 2026-07-07. Review status: criteria provided, single submitter. Criteria: Ambry Variant Classification Scheme 2023. Collection method: clinical testing. Allele origin: germline.
Comment: The p.A132T variant (also known as c.394G>A), located in coding exon 3 of the SUFU gene, results from a G to A substitution at nucleotide position 394. The alanine at codon 132 is replaced by threonine, an amino acid with similar properties. This amino acid position is conserved. In addition, the in silico prediction for this alteration is inconclusive. Based on the available evidence, the clinical significance of this variant remains unclear.